The following is an entry in ClinVar:

NM_001243279.3(ACSF3):c.5T>C (p.Leu2Pro)

Gene: ACSF3 (acyl-CoA synthetase family member 3; plus strand). Cytogenetic location: 16q24.3.
Variant type: single nucleotide variant.
Coding change: c.5T>C on transcript NM_001243279.3 (MANE Select); coding-DNA position 5, T replaced by C.
Protein change: p.Leu2Pro; replaces leucine 2 with proline.
Molecular consequence: missense variant. On other transcripts: non-coding transcript variant (3), intron variant (1).
Genome position (GRCh38, 1-based): chr16:89,100,686, T>C. VCF-style: chr16-89100686-T-C. GRCh37 (hg19) VCF-style: chr16-89167094-T-C.
Other names: p.L2P:CTG>CCG; c.5T>C, p.Leu2Pro (NM_001127214.4, NM_174917.5); c.-129-1918T>C (NM_001284316.2); short protein forms L2P.
Identifiers: ClinVar variation 136269 (VCV000136269.23), dbSNP rs7188200, ClinGen allele CA289268.

ClinVar aggregate classification (germline): Benign. Review status: criteria provided, multiple submitters, no conflicts (2 of 4 stars). 10 submissions from 10 submitters: Benign (7). 3 of the submissions do not count toward it. Last evaluated 2026-06-28.

Conditions:
Methylmalonic acidemia (MMA). Also called: Isolated Methylmalonic Acidemia. Identifiers: MedGen C0268583, MeSH C537358, MONDO:0002012, HP:0002912.
Combined malonic and methylmalonic acidemia. Identifiers: Orphanet 289504, MedGen C3280314, MONDO:0013661, OMIM 614265.

Allele frequency attached by ClinVar (database versions not stated): 1000 Genomes Project 0.62440; 1000 Genomes Project 30x 0.63304; ExAC 0.69985; gnomAD 0.71673 and 0.72412; TOPMed 0.71763; gnomAD exomes 0.71889.

Submissions (10):

Women's Health and Genetics/Laboratory Corporation of America, LabCorp
Classification: Benign. Last evaluated: 2026-06-28. Review status: criteria provided, single submitter. Criteria: LabCorp Variant Classification Summary - May 2015. Collection method: clinical testing. Allele origin: germline.

Labcorp Genetics (formerly Invitae), Labcorp
Classification: Benign for Combined malonic and methylmalonic acidemia. Last evaluated: 2026-02-04. Review status: criteria provided, single submitter. Criteria: Invitae Variant Classification Sherloc (09022015). Collection method: clinical testing. Allele origin: germline.

Blueprint Genetics
Classification: Benign. Last evaluated: 2024-11-27. Review status: criteria provided, single submitter. Criteria: ACMG Guidelines, 2015. Collection method: clinical testing. Allele origin: germline.

Mayo Clinic Laboratories, Mayo Clinic
Classification: Benign. Last evaluated: 2022-03-31. Review status: criteria provided, single submitter. Criteria: ACMG Guidelines, 2015. Collection method: clinical testing. Allele origin: germline. Observed: 94 variant alleles.

Genome-Nilou Lab
Classification: Benign for Combined malonic and methylmalonic acidemia. Last evaluated: 2021-07-01. Review status: criteria provided, single submitter. Criteria: ACMG Guidelines, 2015. Collection method: clinical testing. Allele origin: germline. Affected: no.

GeneDx
Classification: Benign. Last evaluated: 2013-05-29. Review status: criteria provided, single submitter. Criteria: GeneDx Variant Classification (06012015). Collection method: clinical testing. Allele origin: germline. Affected: yes.
Comment: This variant is considered likely benign or benign based on one or more of the following criteria: it is a conservative change, it occurs at a poorly conserved position in the protein, it is predicted to be benign by multiple in silico algorithms, and/or has population frequency not consistent with disease.

Breakthrough Genomics
Classification: Benign. Review status: criteria provided, single submitter. Criteria: ACMG Guidelines, 2015. Collection method: not provided. Allele origin: germline. Inheritance: Unknown mechanism. Affected: yes.

Natera, Inc.
Classification: Benign for Methylmalonic acidemia. Last evaluated: 2020-09-16. Review status: no assertion criteria provided. Collection method: clinical testing. Allele origin: germline. Not counted in ClinVar's aggregate classification.

Diagnostic Laboratory, Department of Genetics, University Medical Center Groningen
Classification: Benign. Review status: no assertion criteria provided. Collection method: clinical testing. Allele origin: germline. Affected: yes. Study: VKGL Data-share Consensus. Not counted in ClinVar's aggregate classification.

Joint Genome Diagnostic Labs from Nijmegen and Maastricht, Radboudumc and MUMC+
Classification: Benign. Review status: no assertion criteria provided. Collection method: clinical testing. Allele origin: germline. Affected: yes. Study: VKGL Data-share Consensus. Not counted in ClinVar's aggregate classification.